The following is an entry in ClinVar:

NM_005090.4(JMJD7-PLA2G4B):c.2748C>T (p.Ser916=)

Genes: JMJD7-PLA2G4B (JMJD7-PLA2G4B readthrough; plus strand), PLA2G4B (phospholipase A2 group IVB; plus strand). Cytogenetic location: 15q15.1.
Variant type: single nucleotide variant.
Coding change: c.2748C>T on transcript NM_005090.4; coding-DNA position 2748, C replaced by T.
Protein change: p.Ser916=; no amino-acid change (serine 916 retained).
Molecular consequence: synonymous variant. On other transcripts: intron variant (1).
Genome position (GRCh38, 1-based): chr15:41,847,444, C>T. VCF-style: chr15-41847444-C-T. GRCh37 (hg19) VCF-style: chr15-42139642-C-T.
Other names: c.2055C>T, p.Ser685= (NM_001114633.2); c.2641-205C>T (NM_001198588.2).
Identifiers: ClinVar variation 3059773 (VCV003059773.2), dbSNP rs883329, ClinGen allele CA7500396.

ClinVar aggregate classification (germline): Benign (0 of 4 stars; one submission).

Conditions:
JMJD7-PLA2G4B-related disorder. Also called: JMJD7-PLA2G4B-related condition.

Allele frequency attached by ClinVar (database versions not stated): ESP Exome Variant Server 0.11625; gnomAD 0.14145; TOPMed 0.15033; gnomAD exomes 0.15875; ExAC 0.18379; 1000 Genomes Project 0.22005.
gnomAD v4.1: 253,769 of 1,613,210 alleles (16%); highest among the groups gnomAD compares: East Asian, 68%; 27,271 homozygotes.

Submission:

PreventionGenetics, part of Exact Sciences
Classification: Benign for JMJD7-PLA2G4B-related condition. Last evaluated: 2019-03-12. Review status: no assertion criteria provided. Collection method: clinical testing. Allele origin: germline.
Comment: This variant is classified as benign based on ACMG/AMP sequence variant interpretation guidelines (Richards et al. 2015 PMID: 25741868, with internal and published modifications).